The following is an entry in ClinVar:

NM_006899.5(IDH3B):c.737A>G (p.Glu246Gly)

Gene: IDH3B (isocitrate dehydrogenase (NAD(+)) 3 non-catalytic subunit beta; minus strand). Cytogenetic location: 20p13.
Variant type: single nucleotide variant.
Coding change: c.737A>G on transcript NM_006899.5 (MANE Select); coding-DNA position 737, A replaced by G.
Protein change: p.Glu246Gly; replaces glutamic acid 246 with glycine.
Molecular consequence: missense variant. On other transcripts: non-coding transcript variant (1).
Genome position (GRCh38, 1-based): chr20:2,660,294, T>C on the plus strand (A>G on the coding strand, the complement: IDH3B is on the minus strand). VCF-style: chr20-2660294-T-C. GRCh37 (hg19) VCF-style: chr20-2640940-T-C.
Other names: c.737A>G, p.Glu246Gly (NM_001258384.3, NM_001330763.2, NM_174855.4); short protein forms E246G.
Identifiers: ClinVar variation 1915348 (VCV001915348.3), dbSNP rs372393324, ClinGen allele CA310881241.

ClinVar aggregate classification (germline): Uncertain significance. Review status: criteria provided, multiple submitters, no conflicts (2 of 4 stars). 2 submissions from 2 submitters: Uncertain significance (2). Last evaluated 2022-10-03.

Allele frequency attached by ClinVar (database versions not stated): gnomAD exomes below 0.00001; TOPMed 0.00002.

Submissions (2):

Labcorp Genetics (formerly Invitae), Labcorp
Classification: Uncertain significance. Last evaluated: 2022-10-03. Review status: criteria provided, single submitter. Criteria: Invitae Variant Classification Sherloc (09022015). Collection method: clinical testing. Allele origin: germline.
Comment: This sequence change replaces glutamic acid, which is acidic and polar, with glycine, which is neutral and non-polar, at codon 246 of the IDH3B protein (p.Glu246Gly). This variant is present in population databases (rs372393324, gnomAD 0.007%). This variant has not been reported in the literature in individuals affected with IDH3B-related conditions. Advanced modeling of protein sequence and biophysical properties (such as structural, functional, and spatial information, amino acid conservation, physicochemical variation, residue mobility, and thermodynamic stability) performed at Invitae indicates that this missense variant is not expected to disrupt IDH3B protein function. In summary, the available evidence is currently insufficient to determine the role of this variant in disease. Therefore, it has been classified as a Variant of Uncertain Significance.

Blueprint Genetics
Classification: Uncertain significance. Last evaluated: 2017-11-05. Review status: criteria provided, single submitter. Criteria: ACMG Guidelines, 2015. Collection method: clinical testing. Allele origin: germline.